The following is an entry in ClinVar:

NM_152383.5(DIS3L2):c.2159-7T>C

Gene: DIS3L2 (DIS3 like 3'-5' exoribonuclease 2; plus strand). Cytogenetic location: 2q37.1.
Variant type: single nucleotide variant.
Coding change: c.2159-7T>C on transcript NM_152383.5 (MANE Select); 7 bases into the intron before coding-DNA position 2159, T replaced by C.
Molecular consequence: intron variant.
Genome position (GRCh38, 1-based): chr2:232,334,362, T>C. VCF-style: chr2-232334362-T-C. GRCh37 (hg19) VCF-style: chr2-233199072-T-C.
Other names: c.1582-8983T>C (NM_001257281.2).
Identifiers: ClinVar variation 531963 (VCV000531963.15), dbSNP rs368022190, ClinGen allele CA2164431.
Genomic context (GRCh38, chr2:232,334,362, plus strand): 5'-ATCCCCCAGCCATAGCTCTTCCCAGCCCCCCAGGCTCCCACTCTCATGCCTCACCCCCTC[T>C]TCCCAGGCTATAGGGAGCGACTAGACATGGCGCCCGATACCCTGCAGAAACAGGCGGACC-3'

ClinVar aggregate classification (germline): Conflicting classifications of pathogenicity. Review status: criteria provided, conflicting classifications (1 of 4 stars). 3 submissions from 3 submitters: Uncertain significance (1); Likely benign (1). 1 of the submissions does not count toward it. Last evaluated 2026-02-02.

Conditions:
Perlman syndrome (PRLMNS). Identifiers: Orphanet 2849, MedGen C0796113, MONDO:0009965, OMIM 267000.
DIS3L2-related disorder. Also called: DIS3L2-related condition.

Allele frequency attached by ClinVar (database versions not stated): gnomAD 0.00005; TOPMed 0.00006; gnomAD exomes 0.00007 and 0.00011; ExAC 0.00008; ESP Exome Variant Server 0.00016.
gnomAD v4.1: 171 of 1,612,776 alleles (0.011%); highest among the groups gnomAD compares: Non-Finnish European, 0.014%; no homozygotes.

Submissions (3):

Labcorp Genetics (formerly Invitae), Labcorp
Classification: Likely benign for Perlman syndrome. Last evaluated: 2026-02-02. Review status: criteria provided, single submitter. Criteria: Invitae Variant Classification Sherloc (09022015). Collection method: clinical testing. Allele origin: germline.

Sema4
Classification: Uncertain significance for Perlman syndrome. Last evaluated: 2021-11-12. Review status: criteria provided, single submitter. Criteria: Sema4 Curation Guidelines. Collection method: curation. Allele origin: germline.
Comment: The DIS3L2 c.2159-7T>C variant has not been reported in the literature to our knowledge. It was observed in 19/126990 chromosomes of the Non-Finnish European subpopulation in the large and broad cohorts of the Genome Aggregation Database (PMID: 32461654). The variant has been reported in ClinVar (Variation ID 531963). In silico tools suggest the variant not to have an impact on splicing, though these predictions have not been confirmed by transcriptional studies. The evidence is insufficient to meet ACMG/AMP criteria for classifying the variant as benign or pathogenic. Thus, the clinical significance of this variant is currently uncertain.

PreventionGenetics, part of Exact Sciences
Classification: Likely benign for DIS3L2-related condition. Last evaluated: 2022-03-16. Review status: no assertion criteria provided. Collection method: clinical testing. Allele origin: germline. Not counted in ClinVar's aggregate classification.
Comment: This variant is classified as likely benign based on ACMG/AMP sequence variant interpretation guidelines (Richards et al. 2015 PMID: 25741868, with internal and published modifications).